The following is an entry in ClinVar:

ClinVar aggregate classification (germline): Benign/Likely benign. Review status: criteria provided, multiple submitters, no conflicts (2 of 4 stars). 4 submissions from 4 submitters: Benign (1); Likely benign (3). Last evaluated 2024-11-26.

Allele frequency attached by ClinVar (database versions not stated): ExAC 0.00447; TOPMed 0.00033; gnomAD 0.00038 and 0.00076; 1000 Genomes Project 30x 0.00250; 1000 Genomes Project 0.00260.
gnomAD v4.1: 1,491 of 1,534,770 alleles (0.097%); highest among the groups gnomAD compares: South Asian, 1.1%; 25 homozygotes.

Submissions (4):

Blueprint Genetics
Classification: Likely benign. Last evaluated: 2024-11-26. Review status: criteria provided, single submitter. Criteria: ACMG Guidelines, 2015. Collection method: clinical testing. Allele origin: germline.

GeneDx
Classification: Likely benign. Last evaluated: 2021-07-13. Review status: criteria provided, single submitter. Criteria: GeneDx Variant Classification Process June 2021. Collection method: clinical testing. Allele origin: germline. Affected: yes.

Laboratory for Molecular Medicine, Mass General Brigham Personalized Medicine
Classification: Benign. Last evaluated: 2015-03-30. Review status: criteria provided, single submitter. Criteria: LMM Criteria. Collection method: clinical testing. Allele origin: germline. Observed: 4 variant alleles.
Comment: c.-11A>G in intron 1A of OTOF: This variant is not expected to have clinical sig nificance because it has been identified in 1.4% (76/5536) of South Asian chromo somes by the Exome Aggregation Consortium (ExAC; dbSNP rs143933877).

Breakthrough Genomics
Classification: Likely benign. Review status: criteria provided, single submitter. Criteria: ACMG Guidelines, 2015. Collection method: not provided. Allele origin: germline. Inheritance: Autosomal recessive inheritance. Affected: yes.

NM_194248.3(OTOF):c.2215-155A>G

Gene: OTOF (otoferlin; minus strand). Cytogenetic location: 2p23.3.
Variant type: single nucleotide variant.
Coding change: c.2215-155A>G on transcript NM_194248.3 (MANE Select); 155 bases into the intron before coding-DNA position 2215, A replaced by G.
Molecular consequence: intron variant. On other transcripts: 5 prime UTR variant (3).
Genome position (GRCh38, 1-based): chr2:26,477,904, T>C on the plus strand (A>G on the coding strand, the complement: OTOF is on the minus strand). VCF-style: chr2-26477904-T-C. GRCh37 (hg19) VCF-style: chr2-26700772-T-C.
Other names: c.-88A>G (NM_004802.4, NM_194323.3); c.-11A>G (NM_194322.3); c.2215-155A>G (NM_001287489.2).
Identifiers: ClinVar variation 179695 (VCV000179695.9), dbSNP rs143933877, ClinGen allele CA184945.